The following is an entry in ClinVar:

NM_018451.5(CPAP):c.1370C>T (p.Pro457Leu)

Gene: CPAP (centrosome assembly and centriole elongation protein; minus strand). Cytogenetic location: 13q12.13.
Variant type: single nucleotide variant.
Coding change: c.1370C>T on transcript NM_018451.5 (MANE Select); coding-DNA position 1370, C replaced by T.
Protein change: p.Pro457Leu; replaces proline 457 with leucine.
Molecular consequence: missense variant. On other transcripts: non-coding transcript variant (2).
Genome position (GRCh38, 1-based): chr13:24,906,668, G>A on the plus strand (C>T on the coding strand, the complement: CPAP is on the minus strand). VCF-style: chr13-24906668-G-A. GRCh37 (hg19) VCF-style: chr13-25480806-G-A.
Other names: short protein forms P457L.
Identifiers: ClinVar variation 2523924 (VCV002523924.3), dbSNP rs775620944, ClinGen allele CA6919771.

ClinVar aggregate classification (germline): Uncertain significance. Review status: criteria provided, multiple submitters, no conflicts (2 of 4 stars). 2 submissions from 2 submitters: Uncertain significance (2). Last evaluated 2023-12-11.

Conditions:
Inborn genetic diseases. Identifiers: MedGen C0950123, MeSH D030342.

Allele frequency attached by ClinVar (database versions not stated): gnomAD exomes 0.00001; ExAC 0.00002.
gnomAD v4.1: 12 of 1,614,076 alleles (0.00074%); highest among the groups gnomAD compares: Middle Eastern, 0.016%; no homozygotes.

Submissions (2):

GeneDx
Classification: Uncertain significance. Last evaluated: 2023-12-11. Review status: criteria provided, single submitter. Criteria: GeneDx Variant Classification Process June 2021. Collection method: clinical testing. Allele origin: germline. Affected: yes.
Comment: Not observed at significant frequency in large population cohorts (gnomAD); In silico analysis supports that this missense variant has a deleterious effect on protein structure/function; Has not been previously published as pathogenic or benign to our knowledge

Ambry Genetics
Classification: Uncertain significance for Inborn genetic diseases. Last evaluated: 2023-03-29. Review status: criteria provided, single submitter. Criteria: Ambry Variant Classification Scheme 2023. Collection method: clinical testing. Allele origin: germline.